The following is an entry in ClinVar:

ClinVar aggregate classification (germline): Uncertain significance (1 of 4 stars; one submission).

Allele frequency attached by ClinVar (database versions not stated): TOPMed 0.00002; gnomAD 0.00003.
gnomAD v4.1: 8 of 1,614,060 alleles (0.0005%); highest among the groups gnomAD compares: Non-Finnish European, 0.00068%; no homozygotes.

Submission:

Labcorp Genetics (formerly Invitae), Labcorp
Classification: Uncertain significance. Last evaluated: 2022-08-30. Review status: criteria provided, single submitter. Criteria: Invitae Variant Classification Sherloc (09022015). Collection method: clinical testing. Allele origin: germline.
Comment: In summary, the available evidence is currently insufficient to determine the role of this variant in disease. Therefore, it has been classified as a Variant of Uncertain Significance. Algorithms developed to predict the effect of missense changes on protein structure and function (SIFT, PolyPhen-2, Align-GVGD) all suggest that this variant is likely to be tolerated. This variant has not been reported in the literature in individuals affected with CTR9-related conditions. This variant is present in population databases (no rsID available, gnomAD 0.0009%). This sequence change replaces lysine, which is basic and polar, with asparagine, which is neutral and polar, at codon 1051 of the CTR9 protein (p.Lys1051Asn).

NM_014633.5(CTR9):c.3153A>T (p.Lys1051Asn)

Gene: CTR9 (CTR9 component of Paf1/RNA polymerase II complex; plus strand). Cytogenetic location: 11p15.4.
Variant type: single nucleotide variant.
Coding change: c.3153A>T on transcript NM_014633.5 (MANE Select); coding-DNA position 3153, A replaced by T.
Protein change: p.Lys1051Asn; replaces lysine 1051 with asparagine.
Molecular consequence: missense variant.
Genome position (GRCh38, 1-based): chr11:10,778,736, A>T. VCF-style: chr11-10778736-A-T. GRCh37 (hg19) VCF-style: chr11-10800283-A-T.
Other names: c.3081A>T, p.Lys1027Asn (NM_001346279.2); short protein forms K1027N, K1051N.
Identifiers: ClinVar variation 2176491 (VCV002176491.4), dbSNP rs981746207, ClinGen allele CA379679120.